The following is an entry in ClinVar:

NM_001754.5(RUNX1):c.40C>T (p.Pro14Ser)

Gene: RUNX1 (RUNX family transcription factor 1; minus strand). Cytogenetic location: 21q22.12.
Variant type: single nucleotide variant.
Coding change: c.40C>T on transcript NM_001754.5 (MANE Select); coding-DNA position 40, C replaced by T.
Protein change: p.Pro14Ser; replaces proline 14 with serine.
Molecular consequence: missense variant.
Genome position (GRCh38, 1-based): chr21:35,048,860, G>A on the plus strand (C>T on the coding strand, the complement: RUNX1 is on the minus strand). VCF-style: chr21-35048860-G-A. GRCh37 (hg19) VCF-style: chr21-36421157-G-A.
Other names: NM_001754.5(RUNX1):c.40C>T; p.Pro14Ser; short protein forms P14S.
Identifiers: ClinVar variation 2154408 (VCV002154408.6), dbSNP rs1189256233, ClinGen allele CA410208227.

ClinVar aggregate classification (germline): Uncertain significance. Review status: reviewed by expert panel (3 of 4 stars). 3 submissions from 3 submitters: Uncertain significance (1). 2 of the submissions do not count toward it. Last evaluated 2024-11-13.

Conditions:
Hereditary thrombocytopenia and hematologic cancer predisposition syndrome. Identifiers: Orphanet 71290, MedGen CN281654, MONDO:0011071.
Inborn genetic diseases. Identifiers: MedGen C0950123, MeSH D030342.
Hereditary thrombocytopenia and hematological cancer predisposition syndrome associated with RUNX1. Also called: RUNX1 Familial Platelet Disorder with Associated Myeloid Malignancies; Familial Platelet Disorder with Propensity to Acute Myelogenous Leukemia; Familial thrombocytopenia with propensity to acute myelogenous leukemia; PLATELET DISORDER, ASPIRIN-LIKE. Identifiers: Orphanet 71290, MedGen C1832388, MeSH C563324, MONDO:0100083, OMIM 601399.

gnomAD v4.1: 2 of 1,613,798 alleles (0.00012%); highest among the groups gnomAD compares: Non-Finnish European, 0.00017%; no homozygotes.

Submissions (3):

ClinGen Myeloid Malignancy Variant Curation Expert Panel
Classification: Uncertain significance for Hereditary thrombocytopenia and hematologic cancer predisposition syndrome. Last evaluated: 2024-11-13. Review status: reviewed by expert panel. Criteria: ClinGen MyeloMalig ACMG Specifications v2. Collection method: curation. Allele origin: germline. Inheritance: Autosomal dominant inheritance.
Comment: NM_001754.5(RUNX1):c.40C>T (p.Pro14Ser) is a missense variant which has a REVEL score < 0.50 (0.32) and a SpliceAI score ≤ 0.20 (0.02) (BP4). In summary, the clinical significance of this variant is uncertain. ACMG/AMP criteria applied, as specified by the Myeloid Malignancy Variant Curation Expert Panel for RUNX1: BP4.

Ambry Genetics
Classification: Uncertain significance for Inborn genetic diseases. Last evaluated: 2025-06-20. Review status: criteria provided, single submitter. Criteria: Ambry Variant Classification Scheme 2023. Collection method: clinical testing. Allele origin: germline. Not counted in ClinVar's aggregate classification.
Comment: The p.P14S variant (also known as c.40C>T), located in coding exon 1 of the RUNX1 gene, results from a C to T substitution at nucleotide position 40. The proline at codon 14 is replaced by serine, an amino acid with similar properties. This amino acid position is conserved. In addition, the in silico prediction for this alteration is inconclusive. Based on the available evidence, the clinical significance of this variant remains unclear.

Labcorp Genetics (formerly Invitae), Labcorp
Classification: Uncertain significance for Hereditary thrombocytopenia and hematological cancer predisposition syndrome associated with RUNX1. Last evaluated: 2023-10-16. Review status: criteria provided, single submitter. Criteria: Invitae Variant Classification Sherloc (09022015). Collection method: clinical testing. Allele origin: germline. Not counted in ClinVar's aggregate classification.
Comment: This sequence change replaces proline, which is neutral and non-polar, with serine, which is neutral and polar, at codon 14 of the RUNX1 protein (p.Pro14Ser). This variant is not present in population databases (gnomAD no frequency). This variant has not been reported in the literature in individuals affected with RUNX1-related conditions. ClinVar contains an entry for this variant (Variation ID: 2154408). Algorithms developed to predict the effect of missense changes on protein structure and function output the following: SIFT: "Not Available"; PolyPhen-2: "Benign"; Align-GVGD: "Not Available". The serine amino acid residue is found in multiple mammalian species, which suggests that this missense change does not adversely affect protein function. In summary, the available evidence is currently insufficient to determine the role of this variant in disease. Therefore, it has been classified as a Variant of Uncertain Significance.